The following is an entry in ClinVar:

ClinVar aggregate classification (germline): Uncertain significance (1 of 4 stars; one submission).

Allele frequency attached by ClinVar (database versions not stated): TOPMed below 0.00001.
gnomAD v4.1: 1 of 1,450,860 alleles (0.000069%); highest among the groups gnomAD compares: Non-Finnish European, 0.000091%; no homozygotes.

Submission:

Labcorp Genetics (formerly Invitae), Labcorp
Classification: Uncertain significance. Last evaluated: 2022-11-20. Review status: criteria provided, single submitter. Criteria: Invitae Variant Classification Sherloc (09022015). Collection method: clinical testing. Allele origin: germline.
Comment: In summary, the available evidence is currently insufficient to determine the role of this variant in disease. Therefore, it has been classified as a Variant of Uncertain Significance. Algorithms developed to predict the effect of sequence changes on RNA splicing suggest that this variant may create or strengthen a splice site. This variant has not been reported in the literature in individuals affected with CTF1-related conditions. This variant is not present in population databases (gnomAD no frequency). This sequence change falls in intron 2 of the CTF1 gene. It does not directly change the encoded amino acid sequence of the CTF1 protein.

NM_001330.5(CTF1):c.145-7T>A

Genes: CTF1 (cardiotrophin 1; plus strand), LOC130058878 (ATAC-STARR-seq lymphoblastoid silent region 7400; plus strand). Cytogenetic location: 16p11.2.
Variant type: single nucleotide variant.
Coding change: c.145-7T>A on transcript NM_001330.5 (MANE Select); 7 bases into the intron before coding-DNA position 145, T replaced by A.
Molecular consequence: intron variant.
Genome position (GRCh38, 1-based): chr16:30,902,071, T>A. VCF-style: chr16-30902071-T-A. GRCh37 (hg19) VCF-style: chr16-30913392-T-A.
Other names: c.142-7T>A (NM_001142544.3).
Identifiers: ClinVar variation 2870433 (VCV002870433.3), dbSNP rs781004946, ClinGen allele CA719900011.